The following is an entry in ClinVar:

ClinVar aggregate classification (germline): Uncertain significance. Review status: criteria provided, single submitter (1 of 4 stars). 2 submissions from 2 submitters: Uncertain significance (1). 1 of the submissions does not count toward it. Last evaluated 2014-05-15.

Conditions:
Cardiomyopathy (CMYO). Also called: Cardiomyopathies. Identifiers: Orphanet 167848, MedGen C0878544, MONDO:0004994, HP:0001638. Inheritance: Various modes of inheritance.
Duchenne muscular dystrophy (DMD). Also called: MUSCULAR DYSTROPHY, PSEUDOHYPERTROPHIC PROGRESSIVE, DUCHENNE TYPE; Duchenne Muscular Dystrophy (DMD). Identifiers: Orphanet 98896, MedGen C0013264, MONDO:0010679, OMIM 310200.
Becker muscular dystrophy (BMD). Also called: Becker Muscular Dystrophy (BMD); MUSCULAR DYSTROPHY, PSEUDOHYPERTROPHIC PROGRESSIVE, BECKER TYPE. Identifiers: Orphanet 98895, MedGen C0917713, MONDO:0010311, OMIM 300376.
Dystrophin deficiency.

Submissions (2):

GeneDx
Classification: Uncertain significance. Last evaluated: 2014-05-15. Review status: criteria provided, single submitter. Criteria: GeneDx Variant Classification (06012015). Collection method: clinical testing. Allele origin: germline. Affected: yes.
Comment: p.Asn3100Ser (AAT>AGT): c.9299 A>G in exon 64 of the DMD gene (NM_004006.2). A variant of unknown significance has been identified in the DMD gene. The N3100S variant has not been published as a mutation or as a benign polymorphism to our knowledge. The N3100S variant was not observed in approximately 6,500 individuals of European and African American ancestry in the NHLBI Exome Sequencing Project, indicating it is not a common benign variant in these populations. This substitution occurs at a position that is completely conserved across species. Nevertheless, the N3100S variant is a conservative amino acid substitution, which is not likely to impact secondary protein structure as these residues share similar properties. Moreover, in silico analysis is inconsistent in its predictions; however at least two models predict the variant likely does not alter the protein structure/function. Furthermore, no missense mutations in nearby residues have been reported in association with a DMD-related disorder, indicating this region of the protein may be tolerant of change. Therefore, based on the currently available information, it is unclear whether this variant is a pathogenic mutation or a rare benign variant. The variant is found in CARDIOMYOPATHY panel(s).

Natera, Inc.
Classification: Uncertain significance for Becker muscular dystrophy; Cardiomyopathy; Duchenne muscular dystrophy; Dystrophin deficiency. Last evaluated: 2020-03-25. Review status: no assertion criteria provided. Collection method: clinical testing. Allele origin: germline. Not counted in ClinVar's aggregate classification.

NM_004006.3(DMD):c.9299A>G (p.Asn3100Ser)

Gene: DMD (dystrophin; minus strand). Cytogenetic location: Xp21.2.
Variant type: single nucleotide variant.
Coding change: c.9299A>G on transcript NM_004006.3 (MANE Select); coding-DNA position 9299, A replaced by G.
Protein change: p.Asn3100Ser; replaces asparagine 3100 with serine.
Molecular consequence: missense variant.
Genome position (GRCh38, 1-based): chrX:31,223,109, T>C on the plus strand (A>G on the coding strand, the complement: DMD is on the minus strand). VCF-style: chrX-31223109-T-C. GRCh37 (hg19) VCF-style: chrX-31241226-T-C.
Other names: p.N3100S:AAT>AGT; c.9275A>G, p.Asn3092Ser (NM_000109.4); c.9287A>G, p.Asn3096Ser (NM_004009.3); c.8930A>G, p.Asn2977Ser (NM_004010.3); c.5276A>G, p.Asn1759Ser (NM_004011.4); c.5267A>G, p.Asn1756Ser (NM_004012.4); c.1919A>G, p.Asn640Ser (NM_004013.3, NM_004020.4, NM_004021.3 and 2 more transcripts); c.1112A>G, p.Asn371Ser (NM_004014.3); and 1 more; short protein forms N3100S, N2977S, N3092S, N3096S, N32S, N640S, N1759S, N371S.
Identifiers: ClinVar variation 201742 (VCV000201742.3), dbSNP rs794729002, ClinGen allele CA308373.
Genomic context (GRCh38, chrX:31,223,109, plus strand): 5'-CAAAGGGCCTTCTGCAGTCTTCGGAGTTTCATGGCAGTCCTATAAGCTGAGAATCTGACA[T>C]TATTCAGGTCAGCTGAAAAGAGGGAAAACAAAGAGCATTTGTTATTCCATCAGAAATAAC-3'
Protein context (NP_003997.2, residues 3090-3110): ELYQSLADLN[Asn3100Ser]VRFSAYRTAM